The following is an entry in ClinVar:

ClinVar aggregate classification (germline): Uncertain significance (1 of 4 stars; one submission).

Submission:

Labcorp Genetics (formerly Invitae), Labcorp
Classification: Uncertain significance. Last evaluated: 2025-04-17. Review status: criteria provided, single submitter. Criteria: Invitae Variant Classification Sherloc (09022015). Collection method: clinical testing. Allele origin: germline.
Comment: This sequence change creates a premature translational stop signal (p.Tyr53Serfs*143) in the ANXA11 gene. It is expected to result in an absent or disrupted protein product. However, the current clinical and genetic evidence is not sufficient to establish whether loss-of-function variants in ANXA11 cause disease. This variant is not present in population databases (gnomAD no frequency). This variant has not been reported in the literature in individuals affected with ANXA11-related conditions. In summary, the available evidence is currently insufficient to determine the role of this variant in disease. Therefore, it has been classified as a Variant of Uncertain Significance.

NM_145868.2(ANXA11):c.158_159del (p.Tyr53fs)

Gene: ANXA11 (annexin A11; minus strand). Cytogenetic location: 10q22.3.
Variant type: Deletion.
Coding change: c.158_159del on transcript NM_145868.2 (MANE Select); coding-DNA positions 158 to 159, 2 bases deleted (AT; older notation c.158_159delAT).
Protein change: p.Tyr53fs; shifts the reading frame from tyrosine 53.
Molecular consequence: frameshift variant.
Genome position (GRCh38, 1-based): chr10:80,170,812-80,170,813, AT deleted on the plus strand (AT on the coding strand, the reverse complement: ANXA11 is on the minus strand); deleting any 2 consecutive bases within chr10:80,170,812-80,170,814 gives the same sequence; the c. name uses the placement nearest the transcript's 3' end. VCF-style (leftmost placement, unchanged base first): chr10-80170811-GAT-G. GRCh37 (hg19) VCF-style: chr10-81930567-GAT-G.
Other names: c.59_60del, p.Tyr20fs (NM_001278409.2); c.158_159del, p.Tyr53fs (NM_145869.2, NM_001157.3, NM_001278407.2 and 1 more transcripts); short protein forms Y20fs, Y53fs.
Identifiers: ClinVar variation 4766300 (VCV004766300.1).